The following is an entry in ClinVar:

ClinVar aggregate classification (germline): Uncertain significance. Review status: criteria provided, multiple submitters, no conflicts (2 of 4 stars). 7 submissions from 5 submitters: Uncertain significance (7). Last evaluated 2024-09-08.

Conditions:
Inborn genetic diseases. Identifiers: MedGen C0950123, MeSH D030342.
Autosomal dominant nonsyndromic hearing loss 11. Identifiers: Orphanet 90635, MedGen C1832475, MONDO:0011032, OMIM 601317.
Usher syndrome type 1 (USH1). Also called: RETINITIS PIGMENTOSA AND CONGENITAL DEAFNESS. Identifiers: Orphanet 231169, Orphanet 886, MedGen C1568247, MONDO:0010168, OMIM 276900.
Autosomal recessive nonsyndromic hearing loss 2. Also called: DEAFNESS, AUTOSOMAL RECESSIVE 2; NEUROSENSORY NONSYNDROMIC RECESSIVE DEAFNESS 2. Identifiers: Orphanet 90636, MedGen C1838701, MONDO:0010807, OMIM 600060.

Allele frequency attached by ClinVar (database versions not stated): gnomAD 0.00001; gnomAD exomes 0.00001 and 0.00005; TOPMed 0.00001; ExAC 0.00006.
gnomAD v4.1: 21 of 1,550,982 alleles (0.0014%); highest among the groups gnomAD compares: South Asian, 0.013%; 1 homozygote.

Submissions (7):

Ambry Genetics
Classification: Uncertain significance for Inborn genetic diseases. Last evaluated: 2024-09-08. Review status: criteria provided, single submitter. Criteria: Ambry Variant Classification Scheme 2023. Collection method: clinical testing. Allele origin: germline.

Labcorp Genetics (formerly Invitae), Labcorp
Classification: Uncertain significance. Last evaluated: 2024-08-28. Review status: criteria provided, single submitter. Criteria: Invitae Variant Classification Sherloc (09022015). Collection method: clinical testing. Allele origin: germline.
Comment: This sequence change replaces arginine, which is basic and polar, with glutamine, which is neutral and polar, at codon 1213 of the MYO7A protein (p.Arg1213Gln). This variant is present in population databases (rs372642675, gnomAD 0.03%). This variant has not been reported in the literature in individuals affected with MYO7A-related conditions. ClinVar contains an entry for this variant (Variation ID: 881771). Invitae Evidence Modeling of protein sequence and biophysical properties (such as structural, functional, and spatial information, amino acid conservation, physicochemical variation, residue mobility, and thermodynamic stability) indicates that this missense variant is not expected to disrupt MYO7A protein function with a negative predictive value of 95%. In summary, the available evidence is currently insufficient to determine the role of this variant in disease. Therefore, it has been classified as a Variant of Uncertain Significance.

Revvity Omics, Revvity
Classification: Uncertain significance. Last evaluated: 2023-11-08. Review status: criteria provided, single submitter. Criteria: ACMG Guidelines, 2015. Collection method: clinical testing. Allele origin: germline.

GeneDx
Classification: Uncertain significance. Last evaluated: 2022-06-01. Review status: criteria provided, single submitter. Criteria: GeneDx Variant Classification Process June 2021. Collection method: clinical testing. Allele origin: germline. Affected: yes.
Comment: In silico analysis supports that this missense variant does not alter protein structure/function; Has not been previously published as pathogenic or benign to our knowledge

Illumina Laboratory Services, Illumina
Classification: Uncertain significance for Autosomal dominant nonsyndromic hearing loss 11. Last evaluated: 2018-01-13. Review status: criteria provided, single submitter. Criteria: ICSL Variant Classification Criteria 13 December 2019. Collection method: clinical testing. Allele origin: germline.

Illumina Laboratory Services, Illumina
Classification: Uncertain significance for Usher syndrome type 1. Last evaluated: 2018-01-13. Review status: criteria provided, single submitter. Criteria: ICSL Variant Classification Criteria 13 December 2019. Collection method: clinical testing. Allele origin: germline.

Illumina Laboratory Services, Illumina
Classification: Uncertain significance for Autosomal recessive nonsyndromic hearing loss 2. Last evaluated: 2018-01-13. Review status: criteria provided, single submitter. Criteria: ICSL Variant Classification Criteria 13 December 2019. Collection method: clinical testing. Allele origin: germline.

NM_000260.4(MYO7A):c.3638G>A (p.Arg1213Gln)

Gene: MYO7A (myosin VIIA; plus strand). Cytogenetic location: 11q13.5.
Variant type: single nucleotide variant.
Coding change: c.3638G>A on transcript NM_000260.4 (MANE Select); coding-DNA position 3638, G replaced by A.
Protein change: p.Arg1213Gln; replaces arginine 1213 with glutamine.
Molecular consequence: missense variant.
Genome position (GRCh38, 1-based): chr11:77,190,027, G>A. VCF-style: chr11-77190027-G-A. GRCh37 (hg19) VCF-style: chr11-76901072-G-A.
Other names: c.3638G>A, p.Arg1213Gln (NM_001127180.2); c.3605G>A, p.Arg1202Gln (NM_001369365.1); short protein forms R1202Q, R1213Q.
Identifiers: ClinVar variation 881771 (VCV000881771.10), dbSNP rs372642675, ClinGen allele CA6198154.
Genomic context (GRCh38, chr11:77,190,027, plus strand): 5'-AAAATCCACATGGGGAGCCCCAGGGGCCGCCTCAGCGGGTACTCTGGCTGCAGTACCTGC[G>A]GAACTTCATCCACGGGGGCCCGCCCGGCTACGCCCCGTACTGTGAGGAGCGCCTGAGAAG-3'
Protein context (NP_000251.3, residues 1203-1223): APSEKFVKYL[Arg1213Gln]NFIHGGPPGY